The following is an entry in ClinVar:

NM_000368.5(TSC1):c.2314G>A (p.Val772Ile)

Gene: TSC1 (TSC complex subunit 1; minus strand). Cytogenetic location: 9q34.13.
Variant type: single nucleotide variant.
Coding change: c.2314G>A on transcript NM_000368.5 (MANE Select); coding-DNA position 2314, G replaced by A.
Protein change: p.Val772Ile; replaces valine 772 with isoleucine.
Molecular consequence: missense variant.
Genome position (GRCh38, 1-based): chr9:132,902,682, C>T on the plus strand (G>A on the coding strand, the complement: TSC1 is on the minus strand). VCF-style: chr9-132902682-C-T. GRCh37 (hg19) VCF-style: chr9-135778069-C-T.
Other names: c.2311G>A, p.Val771Ile (NM_001162426.2); c.2161G>A, p.Val721Ile (NM_001162427.2); c.1951G>A, p.Val651Ile (NM_001362177.2); short protein forms V651I, V721I, V771I, V772I.
Identifiers: ClinVar variation 947671 (VCV000947671.9), dbSNP rs1468880078, ClinGen allele CA375359578.
Genomic context (GRCh38, chr9:132,902,682, plus strand): 5'-GGTTGTAGAATTCCTCTCGGTCATGCTGCAGCTGTCTGATCTGGCTGTGGAGCTTGGTTA[C>T]CATAGTGTCACGCTGCTCCTGGAGCTGATTGTATCTAGCTTGTTCTTTCTGCAGACTAAC-3'
Protein context (NP_000359.1, residues 762-782): NQLQEQRDTM[Val772Ile]TKLHSQIRQL

ClinVar aggregate classification (germline): Uncertain significance (1 of 4 stars; one submission).

Conditions:
Tuberous sclerosis 1 (TSC1). Identifiers: Orphanet 805, MedGen C1854465, MONDO:0008612, OMIM 191100.

Allele frequency attached by ClinVar (database versions not stated): TOPMed 0.00001.

Submission:

Labcorp Genetics (formerly Invitae), Labcorp
Classification: Uncertain significance for Tuberous sclerosis 1. Last evaluated: 2024-04-17. Review status: criteria provided, single submitter. Criteria: Invitae Variant Classification Sherloc (09022015). Collection method: clinical testing. Allele origin: germline.
Comment: This sequence change replaces valine, which is neutral and non-polar, with isoleucine, which is neutral and non-polar, at codon 772 of the TSC1 protein (p.Val772Ile). This variant is not present in population databases (gnomAD no frequency). This variant has not been reported in the literature in individuals affected with TSC1-related conditions. ClinVar contains an entry for this variant (Variation ID: 947671). Advanced modeling of protein sequence and biophysical properties (such as structural, functional, and spatial information, amino acid conservation, physicochemical variation, residue mobility, and thermodynamic stability) performed at Invitae indicates that this missense variant is not expected to disrupt TSC1 protein function with a negative predictive value of 95%. In summary, the available evidence is currently insufficient to determine the role of this variant in disease. Therefore, it has been classified as a Variant of Uncertain Significance.